The following is an entry in ClinVar:

NM_014476.6(PDLIM3):c.93+5G>C

Gene: PDLIM3 (PDZ and LIM domain 3; minus strand). Cytogenetic location: 4q35.1.
Variant type: single nucleotide variant.
Coding change: c.93+5G>C on transcript NM_014476.6 (MANE Select); 5 bases into the intron after coding-DNA position 93, G replaced by C.
Molecular consequence: intron variant.
Genome position (GRCh38, 1-based): chr4:185,535,337, C>G on the plus strand (G>C on the coding strand, the complement: PDLIM3 is on the minus strand). VCF-style: chr4-185535337-C-G. GRCh37 (hg19) VCF-style: chr4-186456491-C-G.
Other names: c.93+5G>C (NM_001257963.2, NM_001257962.2, NM_001114107.5).
Identifiers: ClinVar variation 430557 (VCV000430557.5), dbSNP rs794729097, ClinGen allele CA645369315.

ClinVar aggregate classification (germline): Uncertain significance (1 of 4 stars; one submission).

Allele frequency attached by ClinVar (database versions not stated): TOPMed 0.00001 and below 0.00001.

Submission:

GeneDx
Classification: Uncertain significance. Last evaluated: 2022-04-14. Review status: criteria provided, single submitter. Criteria: GeneDx Variant Classification Process June 2021. Collection method: clinical testing. Allele origin: germline. Affected: yes.
Comment: Has not been previously published as pathogenic or benign to our knowledge; Not observed in large population cohorts (gnomAD); In silico analysis suggests this variant may impact gene splicing. In the absence of RNA/functional studies, the actual effect of this sequence change is unknown.; Variants in candidate genes are classified as variants of uncertain significance in accordance with ACMG guidelines (Richards et al., 2015)